The following is an entry in ClinVar:

NM_001673.5(ASNS):c.1393C>T (p.Arg465Ter)

Genes: ASNS (asparagine synthetase (glutamine-hydrolyzing); minus strand), CZ1P-ASNS (CZ1P-ASNS readthrough; minus strand). Cytogenetic location: 7q21.3.
Variant type: single nucleotide variant.
Coding change: c.1393C>T on transcript NM_001673.5 (MANE Select); coding-DNA position 1393, C replaced by T.
Protein change: p.Arg465Ter; replaces arginine 465 with a stop codon.
Molecular consequence: nonsense. On other transcripts: non-coding transcript variant (1).
Genome position (GRCh38, 1-based): chr7:97,853,143, G>A on the plus strand (C>T on the coding strand, the complement: ASNS is on the minus strand). VCF-style: chr7-97853143-G-A. GRCh37 (hg19) VCF-style: chr7-97482455-G-A.
Other names: c.1393C>T, p.Arg465Ter (NM_133436.3, NM_001352496.2, NM_183356.4); c.1330C>T, p.Arg444Ter (NM_001178075.2); c.1144C>T, p.Arg382Ter (NM_001178076.2, NM_001178077.1); short protein forms R382*, R465*, R444*.
Identifiers: ClinVar variation 836319 (VCV000836319.16), dbSNP rs373774032, ClinGen allele CA4354508.
Genomic context (GRCh38, chr7:97,853,143, plus strand): 5'-AAATCTTAAACCAGGAATTCTTAACTGAAGTTATTCCATCACTGAAGGCTTCTTTTGGTC[G>A]CCAGAGAATCTCTTTGGGTATCAGATTGGAATCCTCAAACGTCTCTCTCAGGAGATGTTT-3'

ClinVar aggregate classification (germline): Pathogenic/Likely pathogenic. Review status: criteria provided, multiple submitters, no conflicts (2 of 4 stars). 7 submissions from 7 submitters: Pathogenic (2); Likely pathogenic (4). 1 of the submissions does not count toward it. Last evaluated 2025-11-05.

Conditions:
Inborn genetic diseases. Identifiers: MedGen C0950123, MeSH D030342.
Congenital microcephaly - severe encephalopathy - progressive cerebral atrophy syndrome. Also called: ASNS DEFICIENCY; Asparagine synthetase deficiency. Identifiers: Orphanet 391376, MedGen C3809971, MONDO:0014258, OMIM 615574.

Allele frequency attached by ClinVar (database versions not stated): gnomAD 0.00001 and 0.00002; ExAC 0.00002; gnomAD exomes 0.00002; TOPMed 0.00002; ESP Exome Variant Server 0.00008.
gnomAD v4.1: 17 of 1,610,944 alleles (0.0011%); highest among the groups gnomAD compares: African/African-American, 0.008%; no homozygotes.

Submissions (7):

Natera, Inc.
Classification: Likely pathogenic for Asparagine synthetase deficiency. Last evaluated: 2025-11-05. Review status: criteria provided, single submitter. Criteria: Natera Variant Classification Schema (03/2026). Collection method: clinical testing. Allele origin: germline.
Comment: The c.1393C>T variant in ASNS is a nonsense variant predicted to introduce a stop codon at amino acid 465. This variant is expected to result in nonsense mediated decay, truncation, or a dysfunctional protein product. This variant is rare in the general population with a frequency below the threshold expected for the associated phenotype(s). Given the available evidence, this variant is classified as Likely Pathogenic.

Labcorp Genetics (formerly Invitae), Labcorp
Classification: Pathogenic. Last evaluated: 2024-09-25. Review status: criteria provided, single submitter. Criteria: Invitae Variant Classification Sherloc (09022015). Collection method: clinical testing. Allele origin: germline.
Comment: This sequence change creates a premature translational stop signal (p.Arg465*) in the ASNS gene. It is expected to result in an absent or disrupted protein product. Loss-of-function variants in ASNS are known to be pathogenic (PMID: 27422383, 30057589). This variant is present in population databases (rs373774032, gnomAD 0.007%). This variant has not been reported in the literature in individuals affected with ASNS-related conditions. ClinVar contains an entry for this variant (Variation ID: 836319). For these reasons, this variant has been classified as Pathogenic.

Fulgent Genetics
Classification: Likely pathogenic for Congenital microcephaly - severe encephalopathy - progressive cerebral atrophy syndrome. Last evaluated: 2024-03-29. Review status: criteria provided, single submitter. Criteria: ACMG Guidelines, 2015. Collection method: clinical testing. Allele origin: germline.

Women's Health and Genetics/Laboratory Corporation of America, LabCorp
Classification: Likely pathogenic for Congenital microcephaly - severe encephalopathy - progressive cerebral atrophy syndrome. Last evaluated: 2022-11-15. Review status: criteria provided, single submitter. Criteria: LabCorp Variant Classification Summary - May 2015. Collection method: clinical testing. Allele origin: germline.
Comment: Variant summary: ASNS c.1393C>T (p.Arg465X) results in a premature termination codon, predicted to cause a truncation of the encoded protein or absence of the protein due to nonsense mediated decay, which are commonly known mechanisms for disease. Truncations downstream of this position are classified as pathogenic in ClinVar. The variant allele was found at a frequency of 1.6e-05 in 248368 control chromosomes. To our knowledge, no occurrence of c.1393C>T in individuals affected with Asparagine Synthetase Deficiency and no experimental evidence demonstrating its impact on protein function have been reported. Two clinical diagnostic laboratories have submitted clinical-significance assessments for this variant to ClinVar after 2014 without evidence for independent evaluation. All laboratories classified the variant as pathogenic/likely pathogenic. Based on the evidence outlined above, the variant was classified as likely pathogenic.

Ambry Genetics
Classification: Pathogenic for Inborn genetic diseases. Last evaluated: 2021-08-30. Review status: criteria provided, single submitter. Criteria: Ambry Variant Classification Scheme 2023. Collection method: clinical testing. Allele origin: germline.
Comment: The c.1393C>T (p.R465*) alteration, located in exon 12 (coding exon 10) of the ASNS gene, consists of a C to T substitution at nucleotide position 1393. This changes the amino acid from a arginine (R) to a stop codon at amino acid position 465. This alteration is expected to result in loss of function by premature protein truncation or nonsense-mediated mRNA decay. Based on the available evidence, this alteration is classified as pathogenic.

Revvity Omics, Revvity
Classification: Likely pathogenic for Congenital microcephaly - severe encephalopathy - progressive cerebral atrophy syndrome. Last evaluated: 2021-06-12. Review status: criteria provided, single submitter. Criteria: ACMG Guidelines, 2015. Collection method: clinical testing. Allele origin: germline.

Service de Génétique Moléculaire, Hôpital Robert Debré
Classification: Likely pathogenic for Congenital microcephaly - severe encephalopathy - progressive cerebral atrophy syndrome. Review status: no assertion criteria provided. Collection method: clinical testing. Allele origin: unknown. Affected: yes. Not counted in ClinVar's aggregate classification.

Literature cited by the submitters: PubMed 27422383 (cited by Labcorp Genetics (formerly Invitae), Labcorp); PubMed 30057589 (cited by Labcorp Genetics (formerly Invitae), Labcorp).